The following is an entry in ClinVar:

NM_144599.5(NIPA1):c.21_35del (p.Ala12_Ala16del)

Genes: NIPA1 (NIPA magnesium transporter 1; plus strand), LOC130056709 (ATAC-STARR-seq lymphoblastoid silent region 6259; plus strand). Cytogenetic location: 15q11.2.
Variant type: Deletion.
Coding change: c.21_35del on transcript NM_144599.5 (MANE Select); coding-DNA positions 21 to 35, 15 bases deleted (AGCGGCGGCGGCGGC).
Protein change: p.Ala12_Ala16del.
Molecular consequence: inframe deletion. On other transcripts: intron variant (1).
Genome position (GRCh38, 1-based): chr15:22,786,677-22,786,691, AGCGGCGGCGGCGGC deleted; deleting any 15 consecutive bases within chr15:22,786,672-22,786,691 gives the same sequence; the c. name uses the placement nearest the transcript's 3' end. VCF-style (leftmost placement, unchanged base first): chr15-22786671-TGCGGCAGCGGCGGCG-T. GRCh37 (hg19) VCF-style: chr15-23086376-CGCCGCCGCCGCCGCT-C.
Other names: c.-48+429_-48+443del (NM_001142275.1).
Identifiers: ClinVar variation 2914798 (VCV002914798.3), dbSNP rs923733816, ClinGen allele CA267581017.

ClinVar aggregate classification (germline): Uncertain significance (1 of 4 stars; one submission).

Conditions:
Hereditary spastic paraplegia 6 (SPG6). Also called: SPASTIC PARAPLEGIA 6, AUTOSOMAL DOMINANT. Identifiers: Orphanet 100988, MedGen C1838192, MONDO:0010878, OMIM 600363.

Submission:

Labcorp Genetics (formerly Invitae), Labcorp
Classification: Uncertain significance for Hereditary spastic paraplegia 6. Last evaluated: 2023-07-17. Review status: criteria provided, single submitter. Criteria: Invitae Variant Classification Sherloc (09022015). Collection method: clinical testing. Allele origin: germline.
Comment: In summary, the available evidence is currently insufficient to determine the role of this variant in disease. Therefore, it has been classified as a Variant of Uncertain Significance. Experimental studies and prediction algorithms are not available or were not evaluated, and the functional significance of this variant is currently unknown. This variant has not been reported in the literature in individuals affected with NIPA1-related conditions. The frequency data for this variant in the population databases is considered unreliable, as metrics indicate poor data quality at this position in the gnomAD database. This variant, c.21_35del, results in the deletion of 5 amino acid(s) of the NIPA1 protein (p.Ala12_Ala16del), but otherwise preserves the integrity of the reading frame.